The following is an entry in ClinVar:

ClinVar aggregate classification (germline): Uncertain significance (1 of 4 stars; one submission).

Allele frequency attached by ClinVar (database versions not stated): gnomAD exomes below 0.00001.
gnomAD v4.1: 4 of 1,608,244 alleles (0.00025%); highest among the groups gnomAD compares: Non-Finnish European, 0.00034%; no homozygotes.

Submission:

Labcorp Genetics (formerly Invitae), Labcorp
Classification: Uncertain significance. Last evaluated: 2025-08-19. Review status: criteria provided, single submitter. Criteria: Invitae Variant Classification Sherloc (09022015). Collection method: clinical testing. Allele origin: germline.
Comment: This sequence change replaces arginine, which is basic and polar, with glycine, which is neutral and non-polar, at codon 8 of the POLG2 protein (p.Arg8Gly). This variant is not present in population databases (gnomAD no frequency). This variant has not been reported in the literature in individuals affected with POLG2-related conditions. ClinVar contains an entry for this variant (Variation ID: 2121035). An algorithm developed to predict the effect of missense changes on protein structure and function outputs the following: PolyPhen-2: "Benign". The glycine amino acid residue is found in multiple mammalian species, which suggests that this missense change does not adversely affect protein function. In summary, the available evidence is currently insufficient to determine the role of this variant in disease. Therefore, it has been classified as a Variant of Uncertain Significance.

NM_007215.4(POLG2):c.22A>G (p.Arg8Gly)

Genes: MILR1 (mast cell immunoglobulin like receptor 1; plus strand), POLG2 (DNA polymerase gamma 2, accessory subunit; minus strand). Cytogenetic location: 17q23.3.
Variant type: single nucleotide variant.
Coding change: c.22A>G on transcript NM_007215.4 (MANE Select); coding-DNA position 22, A replaced by G.
Protein change: p.Arg8Gly; replaces arginine 8 with glycine.
Molecular consequence: missense variant.
Genome position (GRCh38, 1-based): chr17:64,496,947, T>C on the plus strand (A>G on the coding strand, the complement: POLG2 is on the minus strand). VCF-style: chr17-64496947-T-C. GRCh37 (hg19) VCF-style: chr17-62493065-T-C.
Other names: short protein forms R8G.
Identifiers: ClinVar variation 2121035 (VCV002121035.4), dbSNP rs2038163579, ClinGen allele CA400641814.